The following is an entry in ClinVar:

ClinVar aggregate classification (germline): Uncertain significance. Review status: criteria provided, multiple submitters, no conflicts (2 of 4 stars). 2 submissions from 2 submitters: Uncertain significance (2). Last evaluated 2025-04-11.

Conditions:
Epilepsy, familial adult myoclonic, 5 (EPEO5). Also called: CORTICAL MYOCLONIC TREMOR WITH EPILEPSY, FAMILIAL, 5. Identifiers: Orphanet 86814, MedGen C3809374, MONDO:0014167, OMIM 615400.

Allele frequency attached by ClinVar (database versions not stated): ExAC 0.00002; gnomAD exomes 0.00006; TOPMed 0.00001.
gnomAD v4.1: 16 of 1,612,806 alleles (0.00099%); highest among the groups gnomAD compares: Admixed American, 0.025%; no homozygotes.

Submissions (2):

Ambry Genetics
Classification: Uncertain significance. Last evaluated: 2025-04-11. Review status: criteria provided, single submitter. Criteria: Ambry Variant Classification Scheme 2023. Collection method: clinical testing. Allele origin: germline.

Labcorp Genetics (formerly Invitae), Labcorp
Classification: Uncertain significance for Epilepsy, familial adult myoclonic, 5. Last evaluated: 2022-07-30. Review status: criteria provided, single submitter. Criteria: Invitae Variant Classification Sherloc (09022015). Collection method: clinical testing. Allele origin: germline.
Comment: This sequence change replaces proline, which is neutral and non-polar, with histidine, which is basic and polar, at codon 439 of the CNTN2 protein (p.Pro439His). This variant is present in population databases (rs761643020, gnomAD 0.04%). This variant has not been reported in the literature in individuals affected with CNTN2-related conditions. ClinVar contains an entry for this variant (Variation ID: 1433030). Advanced modeling of protein sequence and biophysical properties (such as structural, functional, and spatial information, amino acid conservation, physicochemical variation, residue mobility, and thermodynamic stability) performed at Invitae indicates that this missense variant is not expected to disrupt CNTN2 protein function. In summary, the available evidence is currently insufficient to determine the role of this variant in disease. Therefore, it has been classified as a Variant of Uncertain Significance.

NM_005076.5(CNTN2):c.1316C>A (p.Pro439His)

Gene: CNTN2 (contactin 2; plus strand). Cytogenetic location: 1q32.1.
Variant type: single nucleotide variant.
Coding change: c.1316C>A on transcript NM_005076.5 (MANE Select); coding-DNA position 1316, C replaced by A.
Protein change: p.Pro439His; replaces proline 439 with histidine.
Molecular consequence: missense variant. On other transcripts: non-coding transcript variant (1).
Genome position (GRCh38, 1-based): chr1:205,064,397, C>A. VCF-style: chr1-205064397-C-A. GRCh37 (hg19) VCF-style: chr1-205033525-C-A.
Other names: c.1316C>A, p.Pro439His (NM_001346083.2); c.1316C>A (NM_005076.3); short protein forms P439H.
Identifiers: ClinVar variation 1433030 (VCV001433030.6), dbSNP rs761643020, ClinGen allele CA1351341.